The following is an entry in ClinVar:

NM_000277.3(PAH):c.1139C>T (p.Thr380Met)

Gene: PAH (phenylalanine hydroxylase; minus strand). Cytogenetic location: 12q23.2.
Variant type: single nucleotide variant.
Coding change: c.1139C>T on transcript NM_000277.3 (MANE Select); coding-DNA position 1139, C replaced by T.
Protein change: p.Thr380Met; replaces threonine 380 with methionine.
Molecular consequence: missense variant.
Genome position (GRCh38, 1-based): chr12:102,843,706, G>A on the plus strand (C>T on the coding strand, the complement: PAH is on the minus strand). VCF-style: chr12-102843706-G-A. GRCh37 (hg19) VCF-style: chr12-103237484-G-A.
Other names: p.T380M:ACG>ATG; NM_000277.1(PAH):c.1139C>T; c.1139C>T, p.Thr380Met (NM_001354304.2); c.1139C>T (NM_000277.2); short protein forms T380M.
Identifiers: ClinVar variation 628 (VCV000000628.93), dbSNP rs62642937, ClinGen allele CA114369.

ClinVar aggregate classification (germline): Pathogenic. Review status: reviewed by expert panel (3 of 4 stars). 39 submissions from 38 submitters: Pathogenic (1). 38 of the submissions do not count toward it. Last evaluated 2018-10-01.

Conditions:
PAH-related disorder. Also called: PAH-related condition.
Marfanoid habitus and intellectual disability. Identifiers: MedGen CN263130.
Inborn genetic diseases. Identifiers: MedGen C0950123, MeSH D030342.
Hyperphenylalaninemia. Also called: Hyperphenylalaninaemia; Hyperphenylalaninemia (HPA); Hyperphenylalaninemia, non-pku. Identifiers: MedGen C0751435, HP:0004923.
6-Pyruvoyl-tetrahydrobiopterin synthase deficiency. Also called: HYPERPHENYLALANINEMIA, TETRAHYDROBIOPTERIN-DEFICIENT, DUE TO PTS DEFICIENCY; PTS-Related Tetrahydrobiopterin Deficiency; PTS DEFICIENCY; BH4-deficient hyperphenylalaninemia A; Hyperphenylalanemia, BH4-deficient, A; Hyperphenylalaninemia due to 6-pyruvoyl-tetrahydropterin synthase deficiency. Identifiers: Orphanet 13, Orphanet 238583, MedGen C0878676, MONDO:0009863, OMIM 261640.
Phenylketonuria (PKU). Also called: FOLLING DISEASE; OLIGOPHRENIA PHENYLPYRUVICA; Phenylketonurias; Phenylketonuria (PKU). Identifiers: Orphanet 716, MedGen C0031485, MONDO:0009861, OMIM 261600. Disease mechanism: loss of function.

Allele frequency attached by ClinVar (database versions not stated): 1000 Genomes Project 0.00020; gnomAD 0.00036 and 0.00037; gnomAD exomes 0.00037 and 0.00044; 1000 Genomes Project 30x 0.00016; ExAC 0.00033; TOPMed 0.00037.
gnomAD v4.1: 623 of 1,613,572 alleles (0.039%); highest among the groups gnomAD compares: Middle Eastern, 0.13%; 1 homozygote.

Submissions 1 to 9 of 39:

ClinGen PAH Variant Curation Expert Panel
Classification: Pathogenic for Phenylketonuria. Last evaluated: 2018-10-01. Review status: reviewed by expert panel. Criteria: ClinGen PAH ACMG Specifications v1. Collection method: curation. Allele origin: germline. Inheritance: Autosomal recessive inheritance.
Comment: The c.1139C>T (p.Thr380Met) variant in PAH has been reported in 1 patient with PAH deficiency (BH4 deficiency excluded). (PP4_Moderate; PMID: 8268925). This variant has 28% enzyme activity (PS3; PMID: 27620137). This variant was detected in trans with multiple known pathogenic variants: R408W, R261Q, I65T, F299C (PM3_Very-strong; PMID: 7981714). Computational prediction tools and conservation analysis suggest that the c.1139C>T variant may impact the protein (PP3). In summary, this variant meets criteria to be classified as pathogenic for PAH. PAH-specific ACMG/AMP criteria applied: PP4_Moderate, PS3, PM3_Very-strong

PreventionGenetics, part of Exact Sciences
Classification: Pathogenic for PAH-related condition. Last evaluated: 2026-09-01. Review status: criteria provided, single submitter. Criteria: ACMG Guidelines, 2015. Collection method: clinical testing. Allele origin: germline. Not counted in ClinVar's aggregate classification.
Comment: The PAH c.1139C>T variant is predicted to result in the amino acid substitution p.Thr380Met. This variant has been reported in multiple studies as causative for mild hyperphenylalaninemia (HPA) when in the compound heterozygous state with a second causative PAH variant (for examples, see Mallolas et al. 1999. PubMed ID: 10598814; Bercovich et al. 2008. PubMed ID: 18299955; Heintz et al. 2012. PubMed ID: 22698810; Aldámiz-Echevarría et al. 2016. PubMed ID: 27121329; Figure S4 and Table S3, Hillert et al. 2020. PubMed ID: 32668217). In in vitro expression assays, the p.Thr380Met substitution reduced the activity of the PAH enzyme to ~28-38% of control (Heintz et al. 2012. PubMed ID: 22698810; Trunzo et al. 2016. PubMed ID: 27620137). The p.Thr380Met amino acid substitution has been reported to result in a mutant PAH protein that is responsive to tetrahydrobiopterin (BH4) (Zurflüh et al. 2008. PubMed ID: 17935162). The c.1139C>T variant has been reported at an allele frequency of 0.46%, including 1 homozygous individual, in an Ashkenazi Jewish population; in other populations, it is observed less frequently (i.e., <0.1%) (gnomAD). This variant is classified as pathogenic in the ClinVar database by the ClinGen PAH Variant Curation Expert Panel and multiple outside laboratories (Variation ID: 628). In summary, this variant is classified as pathogenic.

OLLIN Analises Genomicas, OLLIN
Classification: Pathogenic for Phenylketonuria. Last evaluated: 2026-02-13. Review status: criteria provided, single submitter. Criteria: ACMG Guidelines 2015 PMID 25741868. Collection method: clinical testing. Allele origin: germline. Observed: 1 variant allele. Not counted in ClinVar's aggregate classification.
Comment: PS3, PM3_VS, PP3, PP4_M

Labcorp Genetics (formerly Invitae), Labcorp
Classification: Pathogenic for Phenylketonuria. Last evaluated: 2026-01-31. Review status: criteria provided, single submitter. Criteria: Invitae Variant Classification Sherloc (09022015). Collection method: clinical testing. Allele origin: germline. Not counted in ClinVar's aggregate classification.
Comment: This sequence change replaces threonine, which is neutral and polar, with methionine, which is neutral and non-polar, at codon 380 of the PAH protein (p.Thr380Met). This variant is present in population databases (rs62642937, gnomAD 0.5%), including at least one homozygous and/or hemizygous individual. This missense change has been observed in individual(s) with mild phenylketonuria (PKU) or mild hyperphenylalaninemia (HPA) (PMID: 8268925, 8533759, 9429153, 10598814, 14722928, 18299955, 23500595, 26600521, 26666653; internal data). In at least one individual the data is consistent with being in trans (on the opposite chromosome) from a pathogenic variant. ClinVar contains an entry for this variant (Variation ID: 628). Invitae Evidence Modeling of protein sequence and biophysical properties (such as structural, functional, and spatial information, amino acid conservation, physicochemical variation, residue mobility, and thermodynamic stability) indicates that this missense variant is expected to disrupt PAH protein function with a positive predictive value of 80%. Experimental studies have shown that this missense change affects PAH function (PMID: 22698810, 27620137). For these reasons, this variant has been classified as Pathogenic.

3billion
Classification: Pathogenic for Phenylketonuria. Last evaluated: 2025-12-16. Review status: criteria provided, single submitter. Criteria: ACMG Guidelines, 2015. Collection method: clinical testing. Allele origin: germline. Affected: yes. Not counted in ClinVar's aggregate classification.
Comment: The variant is observed at an extremely low frequency in the gnomAD v4.1.0 dataset (total allele frequency: 0.039%). Predicted Consequence/Location: Missense variant Functional studies provide strong evidence of the variant having a damaging effect on the gene or gene product (PMID: 27620137). In silico tool predictions suggest damaging effect of the variant on gene or gene product [REVEL: 0.97 (>=0.6, sensitivity 0.68 and specificity 0.92); 3Cnet: 0.99 (> 0.75, sensitivity 0.96 and precision 0.92)]. The same nucleotide change resulting in the same amino acid change has been previously reported as pathogenic/likely pathogenic with strong evidence (ClinVar ID: VCV000000628 /PMID: 8268925 /3billion dataset). The variant has been reported to be in trans with a pathogenic variant as either compound heterozygous or homozygous in at least 4 similarly affected unrelated individuals (PMID: 7981714). Therefore, this variant is classified as Pathogenic according to the recommendation of ACMG/AMP guideline.

Natera, Inc.
Classification: Pathogenic for Phenylketonuria. Last evaluated: 2025-11-21. Review status: criteria provided, single submitter. Criteria: Natera Variant Classification Schema (03/2026). Collection method: clinical testing. Allele origin: germline. Not counted in ClinVar's aggregate classification.
Comment: The c.1139C>T variant in PAH is a missense variant predicted to cause substitution of threonine to methionine at amino acid 380. This variant is rare in the general population with a frequency below the threshold expected for the associated phenotype(s). This variant has been observed in one or more individuals affected with the associated recessive disease, as either homozygous or compound heterozygous with a second variant (PMID: 18299955). Computational prediction algorithms indicate this variant is likely to affect gene or protein function. Given the available evidence, this variant is classified as Pathogenic.

Dasa
Classification: Pathogenic. Last evaluated: 2025-11-05. Review status: criteria provided, single submitter. Criteria: DASA Assertion Criteria. Collection method: clinical testing. Allele origin: germline. Not counted in ClinVar's aggregate classification.
Comment: NM_000277.3(PAH):c.1139C>T (p.Thr380Met) is a missense variant that results in the substitution of threonine with methionine. This variant has been observed in affected individuals with related phenotype in a genotype context consistent with recessive disease (PMID: 8268925; PMID: 8533759; PMID: 9429153; PMID: 10598814; PMID: 14722928). Functional evidence supports a deleterious effect on the gene or gene product (PMID: 8268925; PMID: 8533759; PMID: 9429153; PMID: 10598814; PMID: 14722928). This variant has been recurrently observed in individuals with related phenotype (PMID: 8268925; PMID: 8533759; PMID: 9429153; PMID: 10598814; PMID: 14722928). Multiple computational predictions support a deleterious effect on the gene or gene product. The variant is present at low frequency in population datasets. Based on the available data, this variant is classified as pathogenic.

Department of Molecular Genetics, Istishari Arab Hospital
Classification: Pathogenic for Phenylketonuria. Last evaluated: 2025-07-10. Review status: criteria provided, single submitter. Criteria: ACMG Guidelines, 2015. Collection method: clinical testing. Allele origin: inherited. Inheritance: Autosomal recessive inheritance. Affected: yes. Not counted in ClinVar's aggregate classification.
Comment: The PAH variant c.1139C>T, p.Thr380Met causes a change in the reading frame from Thr to Met position 380. This variant was previously detected in patients with Phenylketonuria (PMID: 36937954, 35281663, 33803550, and many others). Clinvar lists this variant (Interpretation: Pathogenic). It is classified as pathogenic (class 1) according to the recommendations of ACMG/AMP/ClinGen SVI guidelines.

Revvity Omics, Revvity
Classification: Pathogenic for Phenylketonuria. Last evaluated: 2025-05-28. Review status: criteria provided, single submitter. Criteria: ACMG Guidelines, 2015. Collection method: clinical testing. Allele origin: germline. Not counted in ClinVar's aggregate classification.